The following is an entry in ClinVar:

NM_004370.6(COL12A1):c.6341-9T>A

Gene: COL12A1 (collagen type XII alpha 1 chain; minus strand). Cytogenetic location: 6q13.
Variant type: single nucleotide variant.
Coding change: c.6341-9T>A on transcript NM_004370.6 (MANE Select); 9 bases into the intron before coding-DNA position 6341, T replaced by A.
Molecular consequence: intron variant.
Genome position (GRCh38, 1-based): chr6:75,126,479, A>T on the plus strand (T>A on the coding strand, the complement: COL12A1 is on the minus strand). VCF-style: chr6-75126479-A-T. GRCh37 (hg19) VCF-style: chr6-75836195-A-T.
Other names: c.2849-9T>A (NM_080645.3).
Identifiers: ClinVar variation 952153 (VCV000952153.8), dbSNP rs1562169801, ClinGen allele CA1139659684.
Genomic context (GRCh38, chr6:75,126,479, plus strand): 5'-CTTGTATACCATTCGTCAGAGATGTGTATGTTCTGAGGAGGAAGGAGTCCCACTGAAAAC[A>T]AACATTGACACACATTACTGACCTTTTATTGGCACACAGGGAGAGCACAAAACTTTAAAA-3'

ClinVar aggregate classification (germline): Uncertain significance (1 of 4 stars; one submission).

Conditions:
Ullrich congenital muscular dystrophy 2 (UCMD2). Identifiers: Orphanet 75840, MedGen C4225314, MONDO:0014654, OMIM 616470.
Bethlem myopathy 2 (BTHLM2). Identifiers: Orphanet 536516, Orphanet 610, MedGen C4225313, MONDO:0034022, OMIM 616471.

gnomAD v4.1: 1 of 1,608,342 alleles (0.000062%); highest among the groups gnomAD compares: Non-Finnish European, 0.000085%; no homozygotes.

Submission:

Labcorp Genetics (formerly Invitae), Labcorp
Classification: Uncertain significance for Bethlem myopathy 2; Ullrich congenital muscular dystrophy 2. Last evaluated: 2019-06-19. Review status: criteria provided, single submitter. Criteria: Invitae Variant Classification Sherloc (09022015). Collection method: clinical testing. Allele origin: germline.
Comment: This sequence change falls in intron 38 of the COL12A1 gene. It does not directly change the encoded amino acid sequence of the COL12A1 protein. This variant is not present in population databases (ExAC no frequency). This variant has not been reported in the literature in individuals with COL12A1-related conditions. Algorithms developed to predict the effect of sequence changes on RNA splicing suggest that this variant may disrupt the consensus splice site, but this prediction has not been confirmed by published transcriptional studies. In summary, the available evidence is currently insufficient to determine the role of this variant in disease. Therefore, it has been classified as a Variant of Uncertain Significance.